The following is an entry in ClinVar:

NM_020166.5(MCCC1):c.532del (p.Val178fs)

Gene: MCCC1 (methylcrotonyl-CoA carboxylase subunit 1; minus strand). Cytogenetic location: 3q27.1.
Variant type: Deletion.
Coding change: c.532del on transcript NM_020166.5 (MANE Select); coding-DNA position 532, one base deleted (G; older notation c.532delG).
Protein change: p.Val178fs; shifts the reading frame from valine 178.
Molecular consequence: frameshift variant. On other transcripts: non-coding transcript variant (2).
Genome position (GRCh38, 1-based): chr3:183,071,317, C deleted on the plus strand (G on the coding strand, the reverse complement: MCCC1 is on the minus strand). VCF-style (leftmost placement, unchanged base first): chr3-183071316-AC-A. GRCh37 (hg19) VCF-style: chr3-182789104-AC-A.
Other names: c.181del, p.Val61fs (NM_001293273.2); c.205del, p.Val69fs (NM_001363880.1); short protein forms V178fs, V61fs, V69fs.
Identifiers: ClinVar variation 2754469 (VCV002754469.3), dbSNP rs2530363834, ClinGen allele CA2697557002.

ClinVar aggregate classification (germline): Pathogenic (1 of 4 stars; one submission).

Conditions:
3-methylcrotonyl-CoA carboxylase 1 deficiency (MCC1D). Also called: MCC 1 deficiency; 3 Alpha methylcrotonylglycinuria 1; MCCD TYPE 1; METHYLCROTONYLGLYCINURIA TYPE I. Identifiers: Orphanet 6, MedGen CN028786, MONDO:0008861, OMIM 210200.

Submission:

Labcorp Genetics (formerly Invitae), Labcorp
Classification: Pathogenic for 3-methylcrotonyl-CoA carboxylase 1 deficiency. Last evaluated: 2023-08-22. Review status: criteria provided, single submitter. Criteria: Invitae Variant Classification Sherloc (09022015). Collection method: clinical testing. Allele origin: germline.
Comment: This sequence change creates a premature translational stop signal (p.Val178Trpfs*14) in the MCCC1 gene. It is expected to result in an absent or disrupted protein product. Loss-of-function variants in MCCC1 are known to be pathogenic (PMID: 11181649, 15359379, 22642865). This variant is not present in population databases (gnomAD no frequency). This variant has not been reported in the literature in individuals affected with MCCC1-related conditions. For these reasons, this variant has been classified as Pathogenic.

Literature cited by the submitters: PubMed 11181649; PubMed 15359379; PubMed 22642865.